The following is an entry in ClinVar:

NM_005751.5(AKAP9):c.9425G>T (p.Ser3142Ile)

Gene: AKAP9 (A-kinase anchoring protein 9; plus strand). Cytogenetic location: 7q21.2.
Variant type: single nucleotide variant.
Coding change: c.9425G>T on transcript NM_005751.5 (MANE Select); coding-DNA position 9425, G replaced by T.
Protein change: p.Ser3142Ile; replaces serine 3142 with isoleucine.
Molecular consequence: missense variant.
Genome position (GRCh38, 1-based): chr7:92,093,163, G>T. VCF-style: chr7-92093163-G-T. GRCh37 (hg19) VCF-style: chr7-91722477-G-T.
Other names: c.4070G>T, p.Ser1357Ile (NM_001379277.1); c.9401G>T, p.Ser3134Ile (NM_147185.3); c.9425G>T (NM_005751.4); short protein forms S1357I, S3134I, S3142I.
Identifiers: ClinVar variation 1403962 (VCV001403962.8), dbSNP rs148442799, ClinGen allele CA4337765.

ClinVar aggregate classification (germline): Conflicting classifications of pathogenicity. Review status: criteria provided, conflicting classifications (1 of 4 stars). 3 submissions from 3 submitters: Uncertain significance (2); Likely benign (1). Last evaluated 2025-09-11.

Conditions:
Long QT syndrome 11 (LQT11). Identifiers: Orphanet 101016, Orphanet 768, MedGen C2678483, MONDO:0012738, OMIM 611820.
Cardiovascular phenotype. Identifiers: MedGen CN230736.
Long QT syndrome (LQTS). Identifiers: MedGen C0023976, MeSH D008133, MONDO:0002442. Disease mechanism: loss of function. Inheritance: Various modes of inheritance.

Allele frequency attached by ClinVar (database versions not stated): ExAC 0.00001; TOPMed 0.00001; gnomAD 0.00002; gnomAD exomes 0.00002; ESP Exome Variant Server 0.00008.
gnomAD v4.1: 31 of 1,614,076 alleles (0.0019%); highest among the groups gnomAD compares: Non-Finnish European, 0.0026%; no homozygotes.

Submissions (3):

Ambry Genetics
Classification: Likely benign for Cardiovascular phenotype. Last evaluated: 2025-09-11. Review status: criteria provided, single submitter. Criteria: Ambry Variant Classification Scheme 2023. Collection method: clinical testing. Allele origin: germline.

Labcorp Genetics (formerly Invitae), Labcorp
Classification: Uncertain significance for Long QT syndrome. Last evaluated: 2022-07-05. Review status: criteria provided, single submitter. Criteria: Invitae Variant Classification Sherloc (09022015). Collection method: clinical testing. Allele origin: germline.
Comment: In summary, the available evidence is currently insufficient to determine the role of this variant in disease. Therefore, it has been classified as a Variant of Uncertain Significance. Algorithms developed to predict the effect of missense changes on protein structure and function are either unavailable or do not agree on the potential impact of this missense change (SIFT: "Tolerated"; PolyPhen-2: "Possibly Damaging"; Align-GVGD: "Class C0"). ClinVar contains an entry for this variant (Variation ID: 1403962). This variant has not been reported in the literature in individuals affected with AKAP9-related conditions. This variant is present in population databases (rs148442799, gnomAD 0.004%). This sequence change replaces serine, which is neutral and polar, with isoleucine, which is neutral and non-polar, at codon 3142 of the AKAP9 protein (p.Ser3142Ile).

Fulgent Genetics
Classification: Uncertain significance for Long QT syndrome 11. Last evaluated: 2021-08-13. Review status: criteria provided, single submitter. Criteria: ACMG Guidelines, 2015. Collection method: clinical testing. Allele origin: unknown.